The following is an entry in ClinVar:

NM_173354.5(SIK1):c.1794del (p.Leu600fs)

Gene: SIK1 (salt inducible kinase 1; minus strand). Cytogenetic location: 21q22.3.
Variant type: Deletion.
Coding change: c.1794del on transcript NM_173354.5 (MANE Select); coding-DNA position 1794, one base deleted (G; older notation c.1794delG).
Protein change: p.Leu600fs; shifts the reading frame from leucine 600.
Molecular consequence: frameshift variant.
Genome position (GRCh38, 1-based): chr21:43,417,725, C deleted on the plus strand (G on the coding strand, the reverse complement: SIK1 is on the minus strand); the first of 3 consecutive C bases (chr21:43,417,725-43,417,727); deleting any one gives the same sequence. VCF-style (leftmost placement, unchanged base first): chr21-43417724-AC-A. GRCh37 (hg19) VCF-style: chr21-44837604-AC-A.
Other names: short protein forms L600fs.
Identifiers: ClinVar variation 1343830 (VCV001343830.2), dbSNP rs2146468978, ClinGen allele CA2573054942.

ClinVar aggregate classification (germline): Likely benign (1 of 4 stars; one submission).

Conditions:
Epileptic encephalopathy. Identifiers: MedGen C0543888, HP:0200134.

Submission:

Cytogénomique, Hospices Civils de Lyon
Classification: Likely benign for Epileptic encephalopathy. Last evaluated: 2022-03-15. Review status: criteria provided, single submitter. Criteria: ACMG Guidelines, 2015. Collection method: clinical testing. Allele origin: maternal. Inheritance: Autosomal dominant inheritance. Affected: yes. Observed: 1 variant allele, 1 heterozygote.
Comment: Co-occurence with a pathogenic variant.